The following is an entry in ClinVar:

NM_000088.4(COL1A1):c.138del (p.Arg46fs)

Gene: COL1A1 (collagen type I alpha 1 chain; minus strand). Cytogenetic location: 17q21.33.
Variant type: Deletion.
Coding change: c.138del on transcript NM_000088.4 (MANE Select); coding-DNA position 138, one base deleted (G; older notation c.138delG).
Protein change: p.Arg46fs; shifts the reading frame from arginine 46.
Molecular consequence: frameshift variant.
Genome position (GRCh38, 1-based): chr17:50,199,913, C deleted on the plus strand (G on the coding strand, the reverse complement: COL1A1 is on the minus strand); the first of 2 consecutive C bases (chr17:50,199,913-50,199,914); deleting either gives the same sequence. VCF-style (leftmost placement, unchanged base first): chr17-50199912-AC-A. GRCh37 (hg19) VCF-style: chr17-48277273-AC-A.
Other names: short protein forms R46fs.
Identifiers: ClinVar variation 1429849 (VCV001429849.6), dbSNP rs2144594663, ClinGen allele CA2573154248.
Genomic context (GRCh38, chr17:50,199,912, plus strand): 5'-TGCCGTTGTCGCAGACGCAGATCCGGCAGGGCTCGGGTTTCCACACGTCTCGGTCATGGT[AC>A]CTGAGGCCGTTCTGTACGCAGGTGATTGGTGGGACTGGGACAGGCGGAAGAGGGGCGTTG-3'

ClinVar aggregate classification (germline): Pathogenic (1 of 4 stars; one submission).

Conditions:
Osteogenesis imperfecta type I (OI1). Also called: Lobstein's Disease; Osteogenesis imperfecta type 1; Lobstein disease; Classic Non-deforming Osteogenesis Imperfecta with Blue Sclerae; OI, TYPE I; OSTEOGENESIS IMPERFECTA TARDA. Identifiers: Orphanet 216796, Orphanet 666, MedGen C0023931, MONDO:0008146, OMIM 166200. Disease mechanism: loss of function.

Submission:

Labcorp Genetics (formerly Invitae), Labcorp
Classification: Pathogenic for Osteogenesis imperfecta type I. Last evaluated: 2021-07-28. Review status: criteria provided, single submitter. Criteria: Invitae Variant Classification Sherloc (09022015). Collection method: clinical testing. Allele origin: germline.
Comment: This sequence change creates a premature translational stop signal (p.Arg46Serfs*28) in the COL1A1 gene. It is expected to result in an absent or disrupted protein product. Loss-of-function variants in COL1A1 are known to be pathogenic (PMID: 7942841, 9295084, 9443882). This variant is not present in population databases (ExAC no frequency). This variant has not been reported in the literature in individuals affected with COL1A1-related conditions. For these reasons, this variant has been classified as Pathogenic.

Literature cited by the submitters: PubMed 7942841; PubMed 9295084; PubMed 9443882.